The following is an entry in ClinVar:

ClinVar aggregate classification (germline): Uncertain significance. Review status: criteria provided, multiple submitters, no conflicts (2 of 4 stars). 7 submissions from 7 submitters: Uncertain significance (6). 1 of the submissions does not count toward it. Last evaluated 2022-05-27.

Conditions:
Glycogen storage disease, type II (IOPD). Also called: Glucosidase acid-1,4-alpha deficiency; Pompe Disease; GLYCOGENOSIS, GENERALIZED, CARDIAC FORM; GSD II; Glycogen storage disease type 2; Acid maltase deficiency disease. Identifiers: Orphanet 365, MedGen C0017921, MONDO:0009290, OMIM 232300.

Allele frequency attached by ClinVar (database versions not stated): gnomAD exomes 0.00001 and 0.00002; TOPMed 0.00003.

Submissions (7):

Labcorp Genetics (formerly Invitae), Labcorp
Classification: Uncertain significance for Glycogen storage disease, type II. Last evaluated: 2022-05-27. Review status: criteria provided, single submitter. Criteria: Invitae Variant Classification Sherloc (09022015). Collection method: clinical testing. Allele origin: germline.
Comment: This sequence change replaces arginine, which is basic and polar, with glutamine, which is neutral and polar, at codon 463 of the GAA protein (p.Arg463Gln). This variant is present in population databases (no rsID available, gnomAD 0.006%). This variant has not been reported in the literature in individuals affected with GAA-related conditions. ClinVar contains an entry for this variant (Variation ID: 325788). Advanced modeling of protein sequence and biophysical properties (such as structural, functional, and spatial information, amino acid conservation, physicochemical variation, residue mobility, and thermodynamic stability) performed at Invitae indicates that this missense variant is not expected to disrupt GAA protein function. In summary, the available evidence is currently insufficient to determine the role of this variant in disease. Therefore, it has been classified as a Variant of Uncertain Significance.

Revvity Omics, Revvity
Classification: Uncertain significance. Last evaluated: 2021-10-12. Review status: criteria provided, single submitter. Criteria: ACMG Guidelines, 2015. Collection method: clinical testing. Allele origin: germline.

Genome-Nilou Lab
Classification: Uncertain significance for Glycogen storage disease, type II. Last evaluated: 2021-09-05. Review status: criteria provided, single submitter. Criteria: ACMG Guidelines, 2015. Collection method: clinical testing. Allele origin: germline. Affected: no.

Mayo Clinic Laboratories, Mayo Clinic
Classification: Uncertain significance. Last evaluated: 2021-02-24. Review status: criteria provided, single submitter. Criteria: ACMG Guidelines, 2015. Collection method: clinical testing. Allele origin: germline. Observed: 1 variant allele.

Blueprint Genetics
Classification: Uncertain significance. Last evaluated: 2018-09-25. Review status: criteria provided, single submitter. Criteria: ACMG Guidelines, 2015. Collection method: clinical testing. Allele origin: germline.

Illumina Laboratory Services, Illumina
Classification: Uncertain significance for Glycogen storage disease, type II. Last evaluated: 2018-01-13. Review status: criteria provided, single submitter. Criteria: ICSL Variant Classification Criteria 13 December 2019. Collection method: clinical testing. Allele origin: germline.

Natera, Inc.
Classification: Uncertain significance for Glycogen storage disease type II. Last evaluated: 2019-10-28. Review status: no assertion criteria provided. Collection method: clinical testing. Allele origin: germline. Not counted in ClinVar's aggregate classification.

NM_000152.5(GAA):c.1388G>A (p.Arg463Gln)

Gene: GAA (alpha glucosidase; plus strand). Cytogenetic location: 17q25.3.
Variant type: single nucleotide variant.
Coding change: c.1388G>A on transcript NM_000152.5 (MANE Select); coding-DNA position 1388, G replaced by A.
Protein change: p.Arg463Gln; replaces arginine 463 with glutamine.
Molecular consequence: missense variant.
Genome position (GRCh38, 1-based): chr17:80,110,006, G>A. VCF-style: chr17-80110006-G-A. GRCh37 (hg19) VCF-style: chr17-78083805-G-A.
Other names: c.1388G>A (LRG_673t1); c.1388G>A, p.Arg463Gln (NM_001079803.3, NM_001079804.3); short protein forms R463Q.
Identifiers: ClinVar variation 325788 (VCV000325788.23), dbSNP rs886053545, ClinGen allele CA10651259.